The following is an entry in ClinVar:

ClinVar aggregate classification (germline): Uncertain significance. Review status: criteria provided, multiple submitters, no conflicts (2 of 4 stars). 7 submissions from 7 submitters: Uncertain significance (6). 1 of the submissions does not count toward it. Last evaluated 2026-04-01.

Conditions:
TNFRSF1A-related disorder. Also called: TNFRSF1A-related condition.
Autoinflammatory syndrome. Identifiers: Orphanet 93665, MedGen C3890737, MONDO:0019751.
TNF receptor-associated periodic fever syndrome (TRAPS) (FPF). Also called: FAMILIAL HIBERNIAN FEVER; TNF RECEPTOR-ASSOCIATED PERIODIC SYNDROME; TUMOR NECROSIS FACTOR RECEPTOR-ASSOCIATED PERIODIC SYNDROME; TNF Receptor-Associated Periodic Fever Syndrome; TNF receptor 1-associated periodic fever syndrome; Autosomal Dominant Familial Periodic Fever. Identifiers: Orphanet 32960, MedGen C1275126, MONDO:0007727, OMIM 142680.

Allele frequency attached by ClinVar (database versions not stated): gnomAD 0.00001 and 0.00004; TOPMed 0.00005; gnomAD exomes 0.00012 and 0.00023; ExAC 0.00027; 1000 Genomes Project 30x 0.00031; 1000 Genomes Project 0.00040.
gnomAD v4.1: 180 of 1,614,150 alleles (0.011%); highest among the groups gnomAD compares: South Asian, 0.081%; no homozygotes.

Submissions (8):

CeGaT Center for Human Genetics Tuebingen
Classification: Uncertain significance. Last evaluated: 2026-04-01. Review status: criteria provided, single submitter. Criteria: CeGaT Center For Human Genetics Tuebingen Variant Classification Criteria Version 2. Collection method: clinical testing. Allele origin: germline. Affected: yes. Observed: 2 variant alleles.
Comment: TNFRSF1A: PS4:Moderate, PM6:Supporting

Labcorp Genetics (formerly Invitae), Labcorp
Classification: Uncertain significance for TNF receptor-associated periodic fever syndrome (TRAPS). Last evaluated: 2025-09-23. Review status: criteria provided, single submitter. Criteria: Invitae Variant Classification Sherloc (09022015). Collection method: clinical testing. Allele origin: germline.
Comment: This sequence change replaces valine, which is neutral and non-polar, with methionine, which is neutral and non-polar, at codon 124 of the TNFRSF1A protein (p.Val124Met). This variant is present in population databases (rs104895278, gnomAD 0.09%), and has an allele count higher than expected for a pathogenic variant. This missense change has been observed in individual(s) with atypical inflammatory phenotypes (PMID: 16635178, 21029567, 22311714, 24393624, 25936627). This variant is also known as p.Val95Met or V95M. ClinVar contains an entry for this variant (Variation ID: 97696). Invitae Evidence Modeling of protein sequence and biophysical properties (such as structural, functional, and spatial information, amino acid conservation, physicochemical variation, residue mobility, and thermodynamic stability) has been performed for this missense variant. However, the output from this modeling did not meet the statistical confidence thresholds required to predict the impact of this variant on TNFRSF1A protein function. In summary, the available evidence is currently insufficient to determine the role of this variant in disease. Therefore, it has been classified as a Variant of Uncertain Significance.

PreventionGenetics, part of Exact Sciences
Classification: Uncertain significance for TNFRSF1A-related condition. Last evaluated: 2024-12-31. Review status: criteria provided, single submitter. Criteria: ACMG Guidelines, 2015. Collection method: clinical testing. Allele origin: germline.
Comment: The TNFRSF1A c.370G>A variant is predicted to result in the amino acid substitution p.Val124Met. This variant, also known as p.Val95Met, has been reported in several individuals with atypical periodic fever with or without autoinflammatory syndrome (Rack et al. 2006. PubMed ID: 16635178; Cantarini et al. 2013. PubMed ID: 24393624; Table 1, Lopalco et al. 2015. PubMed ID: 25936627; Pucino et al. 2015. PubMed ID: 26598380). This variant is reported in 0.095% of alleles in individuals of South Asian descent in gnomAD and is reported as uncertain in ClinVar. At this time, the clinical significance of this variant is uncertain due to the absence of conclusive functional and genetic evidence.

GeneDx
Classification: Uncertain significance. Last evaluated: 2021-11-01. Review status: criteria provided, single submitter. Criteria: GeneDx Variant Classification Process June 2021. Collection method: clinical testing. Allele origin: germline. Affected: yes.
Comment: Observed in patients with periodic fevers and/or TRAPS in published literature; detailed information is not available for some patients (Lopalco G et al., 2015; Pucino V et al., 2016; Gaggiano C et al., 2020; Cantarini L et al., 2014); In silico analysis supports that this missense variant does not alter protein structure/function; Also known as p.V95M; This variant is associated with the following publications: (PMID: 26598380, 32831641, 16635178, 21029567, 22311714, 24393624, 25936627)

Genome Diagnostics Laboratory, The Hospital for Sick Children
Classification: Uncertain significance for Autoinflammatory syndrome. Last evaluated: 2019-09-11. Review status: criteria provided, single submitter. Criteria: ACMG Guidelines, 2015. Collection method: clinical testing. Allele origin: germline. Affected: yes.

Mendelics
Classification: Uncertain significance for TNF receptor-associated periodic fever syndrome (TRAPS). Last evaluated: 2019-05-28. Review status: criteria provided, single submitter. Criteria: Mendelics Assertion Criteria 2017. Collection method: clinical testing. Allele origin: unknown.

Dr. Peter K. Rogan Lab, Western University
No classification provided (evidence only). Condition: Malignant tumor of esophagus. Review status: no classification provided. Collection method: in vitro. Allele origin: not applicable. Functional consequence: retained intron. Not counted in ClinVar's aggregate classification.

Unité médicale des maladies autoinflammatoires, CHRU Montpellier
No classification provided. Condition: TNF receptor-associated periodic fever syndrome (TRAPS). Review status: no classification provided. Collection method: not provided. Allele origin: unknown. Not counted in ClinVar's aggregate classification.

Literature cited by the submitters: PubMed 16635178 (cited by Labcorp Genetics (formerly Invitae), Labcorp); PubMed 21029567 (cited by Labcorp Genetics (formerly Invitae), Labcorp); PubMed 22311714 (cited by Labcorp Genetics (formerly Invitae), Labcorp); PubMed 24393624 (cited by Labcorp Genetics (formerly Invitae), Labcorp); PubMed 25936627 (cited by Labcorp Genetics (formerly Invitae), Labcorp).

NM_001065.4(TNFRSF1A):c.370G>A (p.Val124Met)

Gene: TNFRSF1A (TNF receptor superfamily member 1A; minus strand). Cytogenetic location: 12p13.31.
Variant type: single nucleotide variant.
Coding change: c.370G>A on transcript NM_001065.4 (MANE Select); coding-DNA position 370, G replaced by A.
Protein change: p.Val124Met; replaces valine 124 with methionine.
Molecular consequence: missense variant. On other transcripts: 5 prime UTR variant (1), non-coding transcript variant (1).
Genome position (GRCh38, 1-based): chr12:6,333,469, C>T on the plus strand (G>A on the coding strand, the complement: TNFRSF1A is on the minus strand). VCF-style: chr12-6333469-C-T. GRCh37 (hg19) VCF-style: chr12-6442635-C-T.
Other names: c.46G>A, p.Val16Met (NM_001346091.2); c.-208G>A (NM_001346092.2); short protein forms V124M, V16M.
Identifiers: ClinVar variation 97696 (VCV000097696.38), dbSNP rs104895278, ClinGen allele CA280843.